The following is an entry in ClinVar:

ClinVar aggregate classification (germline): Uncertain significance (1 of 4 stars; one submission).

Submission:

Labcorp Genetics (formerly Invitae), Labcorp
Classification: Uncertain significance. Last evaluated: 2022-09-30. Review status: criteria provided, single submitter. Criteria: Invitae Variant Classification Sherloc (09022015). Collection method: clinical testing. Allele origin: germline.
Comment: This sequence change replaces glutamic acid, which is acidic and polar, with glutamine, which is neutral and polar, at codon 255 of the FLI1 protein (p.Glu255Gln). This variant is not present in population databases (gnomAD no frequency). This variant has not been reported in the literature in individuals affected with FLI1-related conditions. Advanced modeling of protein sequence and biophysical properties (such as structural, functional, and spatial information, amino acid conservation, physicochemical variation, residue mobility, and thermodynamic stability) performed at Invitae indicates that this missense variant is not expected to disrupt FLI1 protein function. In summary, the available evidence is currently insufficient to determine the role of this variant in disease. Therefore, it has been classified as a Variant of Uncertain Significance.

NM_002017.5(FLI1):c.763G>C (p.Glu255Gln)

Gene: FLI1 (Fli-1 proto-oncogene, ETS transcription factor; plus strand). Cytogenetic location: 11q24.3.
Variant type: single nucleotide variant.
Coding change: c.763G>C on transcript NM_002017.5 (MANE Select); coding-DNA position 763, G replaced by C.
Protein change: p.Glu255Gln; replaces glutamic acid 255 with glutamine.
Molecular consequence: missense variant.
Genome position (GRCh38, 1-based): chr11:128,807,221, G>C. VCF-style: chr11-128807221-G-C. GRCh37 (hg19) VCF-style: chr11-128677116-G-C.
Other names: c.664G>C, p.Glu222Gln (NM_001167681.3); c.565G>C, p.Glu189Gln (NM_001271010.2); c.184G>C, p.Glu62Gln (NM_001271012.2); short protein forms E189Q, E62Q, E222Q, E255Q.
Identifiers: ClinVar variation 2089622 (VCV002089622.4), dbSNP rs2497502843, ClinGen allele CA383237487.